The following is an entry in ClinVar:

ClinVar aggregate classification (germline): Uncertain significance (1 of 4 stars; one submission).

Conditions:
Developmental and epileptic encephalopathy, 1 (DEE1). Also called: X-linked infantile spasms; West's syndrome; Tonic spasms with clustering, arrest of psychomotor development and hypsarrhythmia on EEG; X-Linked Infantile Spasm Syndrome; OHTAHARA SYNDROME, X-LINKED; Epileptic encephalopathy, early infantile, 1. Identifiers: MedGen C3463992, MONDO:0010632, OMIM 308350. Disease mechanism: loss of function.
Autosomal dominant nonsyndromic hearing loss 65. Also called: Deafness, autosomal dominant 65; TBC1D24-Related Autosomal Dominant Nonsyndromic Hearing Loss (DFNA). Identifiers: Orphanet 90635, MedGen C3892048, MONDO:0014470, OMIM 616044.

Submission:

Labcorp Genetics (formerly Invitae), Labcorp
Classification: Uncertain significance for Developmental and epileptic encephalopathy, 1; Autosomal dominant nonsyndromic hearing loss 65. Last evaluated: 2020-08-22. Review status: criteria provided, single submitter. Criteria: Invitae Variant Classification Sherloc (09022015). Collection method: clinical testing. Allele origin: germline.
Comment: This sequence change replaces cysteine with phenylalanine at codon 29 of the TBC1D24 protein (p.Cys29Phe). The cysteine residue is moderately conserved and there is a large physicochemical difference between cysteine and phenylalanine. This variant is not present in population databases (ExAC no frequency). This variant has not been reported in the literature in individuals with TBC1D24-related conditions. Advanced modeling of protein sequence and biophysical properties (such as structural, functional, and spatial information, amino acid conservation, physicochemical variation, residue mobility, and thermodynamic stability) performed at Invitae indicates that this missense variant is not expected to disrupt TBC1D24 protein function. In summary, the available evidence is currently insufficient to determine the role of this variant in disease. Therefore, it has been classified as a Variant of Uncertain Significance.

NM_001199107.2(TBC1D24):c.86G>T (p.Cys29Phe)

Gene: TBC1D24 (TBC1 domain family member 24; plus strand). Cytogenetic location: 16p13.3.
Variant type: single nucleotide variant.
Coding change: c.86G>T on transcript NM_001199107.2 (MANE Select); coding-DNA position 86, G replaced by T.
Protein change: p.Cys29Phe; replaces cysteine 29 with phenylalanine.
Molecular consequence: missense variant.
Genome position (GRCh38, 1-based): chr16:2,496,234, G>T. VCF-style: chr16-2496234-G-T. GRCh37 (hg19) VCF-style: chr16-2546235-G-T.
Other names: c.86G>T, p.Cys29Phe (NM_020705.3); short protein forms C29F.
Identifiers: ClinVar variation 1035801 (VCV001035801.9), dbSNP rs2065735946, ClinGen allele CA394374462.